The following is an entry in ClinVar:

ClinVar aggregate classification (germline): Uncertain significance. Review status: criteria provided, multiple submitters, no conflicts (2 of 4 stars). 2 submissions from 2 submitters: Uncertain significance (2). Last evaluated 2022-07-05.

Submissions (2):

Labcorp Genetics (formerly Invitae), Labcorp
Classification: Uncertain significance. Last evaluated: 2022-07-05. Review status: criteria provided, single submitter. Criteria: Invitae Variant Classification Sherloc (09022015). Collection method: clinical testing. Allele origin: germline.
Comment: This variant is not present in population databases (gnomAD no frequency). This sequence change replaces proline, which is neutral and non-polar, with serine, which is neutral and polar, at codon 420 of the WFS1 protein (p.Pro420Ser). Advanced modeling of protein sequence and biophysical properties (such as structural, functional, and spatial information, amino acid conservation, physicochemical variation, residue mobility, and thermodynamic stability) performed at Invitae indicates that this missense variant is expected to disrupt WFS1 protein function. This variant has not been reported in the literature in individuals affected with WFS1-related conditions. In summary, the available evidence is currently insufficient to determine the role of this variant in disease. Therefore, it has been classified as a Variant of Uncertain Significance.

GeneDx
Classification: Uncertain significance. Last evaluated: 2022-04-01. Review status: criteria provided, single submitter. Criteria: GeneDx Variant Classification Process June 2021. Collection method: clinical testing. Allele origin: germline. Affected: yes.
Comment: Not observed at significant frequency in large population cohorts (gnomAD); In silico analysis supports that this missense variant has a deleterious effect on protein structure/function; Has not been previously published as pathogenic or benign to our knowledge

NM_006005.3(WFS1):c.1258C>T (p.Pro420Ser)

Gene: WFS1 (wolframin ER transmembrane glycoprotein; plus strand). Cytogenetic location: 4p16.1.
Variant type: single nucleotide variant.
Coding change: c.1258C>T on transcript NM_006005.3 (MANE Select); coding-DNA position 1258, C replaced by T.
Protein change: p.Pro420Ser; replaces proline 420 with serine.
Molecular consequence: missense variant.
Genome position (GRCh38, 1-based): chr4:6,301,053, C>T. VCF-style: chr4-6301053-C-T. GRCh37 (hg19) VCF-style: chr4-6302780-C-T.
Other names: c.1258C>T, p.Pro420Ser (NM_001145853.1); short protein forms P420S.
Identifiers: ClinVar variation 1707809 (VCV001707809.7), dbSNP rs2474193219, ClinGen allele CA356174559.